The following is an entry in ClinVar:

ClinVar aggregate classification (germline): Uncertain significance (1 of 4 stars; one submission).

Conditions:
Cohen syndrome (COH1). Also called: PEPPER SYNDROME; Cutis verticis gyrata, retinitis pigmentosa, and sensorineural deafness. Identifiers: Orphanet 193, MedGen C0265223, MONDO:0008999, OMIM 216550.

Allele frequency attached by ClinVar (database versions not stated): gnomAD exomes 0.00004.
gnomAD v4.1: 51 of 1,612,202 alleles (0.0032%); highest among the groups gnomAD compares: Non-Finnish European, 0.0043%; no homozygotes.

Submission:

Labcorp Genetics (formerly Invitae), Labcorp
Classification: Uncertain significance for Cohen syndrome. Last evaluated: 2022-06-20. Review status: criteria provided, single submitter. Criteria: Invitae Variant Classification Sherloc (09022015). Collection method: clinical testing. Allele origin: germline.
Comment: This sequence change replaces glycine, which is neutral and non-polar, with arginine, which is basic and polar, at codon 3133 of the VPS13B protein (p.Gly3133Arg). This variant is not present in population databases (gnomAD no frequency). This variant has not been reported in the literature in individuals affected with VPS13B-related conditions. ClinVar contains an entry for this variant (Variation ID: 1047382). Algorithms developed to predict the effect of missense changes on protein structure and function are either unavailable or do not agree on the potential impact of this missense change (SIFT: "Not Available"; PolyPhen-2: "Probably Damaging"; Align-GVGD: "Not Available"). Algorithms developed to predict the effect of sequence changes on RNA splicing suggest that this variant may disrupt the consensus splice site. In summary, the available evidence is currently insufficient to determine the role of this variant in disease. Therefore, it has been classified as a Variant of Uncertain Significance.

NM_152564.5(VPS13B):c.9322G>A (p.Gly3108Arg)

Gene: VPS13B (vacuolar protein sorting 13 homolog B; plus strand). Cytogenetic location: 8q22.2.
Variant type: single nucleotide variant.
Coding change: c.9322G>A on transcript NM_152564.5 (MANE Select); coding-DNA position 9322, G replaced by A.
Protein change: p.Gly3108Arg; replaces glycine 3108 with arginine.
Molecular consequence: missense variant.
Genome position (GRCh38, 1-based): chr8:99,823,970, G>A. VCF-style: chr8-99823970-G-A. GRCh37 (hg19) VCF-style: chr8-100836198-G-A.
Other names: c.9397G>A, p.Gly3133Arg (NM_017890.5); short protein forms G3108R, G3133R.
Identifiers: ClinVar variation 1047382 (VCV001047382.6), dbSNP rs1814523416, ClinGen allele CA371780530.
Genomic context (GRCh38, chr8:99,823,970, plus strand): 5'-AATAATACACCATATCAAATATTTTATAAACCACAGCTATCTGTCTGCAATCCCCATTCT[G>A]GAAAGGAGGTAAGCAAATCATAACGATTCTTTTGTCTAAGTTTTGATAAAGAAACAATAA-3'
Protein context (NP_689777.3, residues 3098-3118): PQLSVCNPHS[Gly3108Arg]KEYFRVPDSA